The following is an entry in ClinVar:

ClinVar aggregate classification (germline): Pathogenic (1 of 4 stars; one submission).

Submission:

Labcorp Genetics (formerly Invitae), Labcorp
Classification: Pathogenic. Last evaluated: 2021-11-15. Review status: criteria provided, single submitter. Criteria: Invitae Variant Classification Sherloc (09022015). Collection method: clinical testing. Allele origin: germline.
Comment: This variant has not been reported in the literature in individuals affected with USH2A-related conditions. This variant is not present in population databases (gnomAD no frequency). This sequence change creates a premature translational stop signal (p.Gly3556*) in the USH2A gene. It is expected to result in an absent or disrupted protein product. Loss-of-function variants in USH2A are known to be pathogenic (PMID: 10729113, 10909849, 20507924, 25649381). For these reasons, this variant has been classified as Pathogenic.

Literature cited by the submitters: PubMed 10729113; PubMed 10909849; PubMed 20507924; PubMed 25649381.

NM_206933.4(USH2A):c.10666G>T (p.Gly3556Ter)

Gene: USH2A (usherin; minus strand). Cytogenetic location: 1q41.
Variant type: single nucleotide variant.
Coding change: c.10666G>T on transcript NM_206933.4 (MANE Select); coding-DNA position 10666, G replaced by T.
Protein change: p.Gly3556Ter; replaces glycine 3556 with a stop codon.
Molecular consequence: nonsense.
Genome position (GRCh38, 1-based): chr1:215,782,116, C>A on the plus strand (G>T on the coding strand, the complement: USH2A is on the minus strand). VCF-style: chr1-215782116-C-A. GRCh37 (hg19) VCF-style: chr1-215955458-C-A.
Other names: short protein forms G3556*.
Identifiers: ClinVar variation 1420842 (VCV001420842.6), dbSNP rs1661660762, ClinGen allele CA344836634.